The following is an entry in ClinVar:

ClinVar aggregate classification (germline): Uncertain significance (1 of 4 stars; one submission).

Submission:

Labcorp Genetics (formerly Invitae), Labcorp
Classification: Uncertain significance. Last evaluated: 2023-07-23. Review status: criteria provided, single submitter. Criteria: Invitae Variant Classification Sherloc (09022015). Collection method: clinical testing. Allele origin: germline.
Comment: In summary, the available evidence is currently insufficient to determine the role of this variant in disease. Therefore, it has been classified as a Variant of Uncertain Significance. Algorithms developed to predict the effect of sequence changes on RNA splicing suggest that this variant may create or strengthen a splice site. Algorithms developed to predict the effect of missense changes on protein structure and function output the following: SIFT: "Not Available"; PolyPhen-2: "Benign"; Align-GVGD: "Not Available". The isoleucine amino acid residue is found in multiple mammalian species, which suggests that this missense change does not adversely affect protein function. This variant has not been reported in the literature in individuals affected with ANKRD26-related conditions. This variant is not present in population databases (gnomAD no frequency). This sequence change replaces methionine, which is neutral and non-polar, with isoleucine, which is neutral and non-polar, at codon 487 of the ANKRD26 protein (p.Met487Ile).

NM_014915.3(ANKRD26):c.1461G>A (p.Met487Ile)

Gene: ANKRD26 (ankyrin repeat domain 26; minus strand). Cytogenetic location: 10p12.1.
Variant type: single nucleotide variant.
Coding change: c.1461G>A on transcript NM_014915.3 (MANE Select); coding-DNA position 1461, G replaced by A.
Protein change: p.Met487Ile; replaces methionine 487 with isoleucine.
Molecular consequence: missense variant.
Genome position (GRCh38, 1-based): chr10:27,061,145, C>T on the plus strand (G>A on the coding strand, the complement: ANKRD26 is on the minus strand). VCF-style: chr10-27061145-C-T. GRCh37 (hg19) VCF-style: chr10-27350074-C-T.
Other names: c.1461G>A, p.Met487Ile (NM_001256053.2); short protein forms M487I.
Identifiers: ClinVar variation 2745980 (VCV002745980.3), dbSNP rs749894870, ClinGen allele CA376357917.